The following is an entry in ClinVar:

ClinVar aggregate classification (germline): Uncertain significance (1 of 4 stars; one submission).

Conditions:
Heterotopia, periventricular, X-linked dominant (PVNH1). Also called: PERIVENTRICULAR NODULAR HETEROTOPIA 1; X-linked periventricular heterotopia; PERIVENTRICULAR NODULAR HETEROTOPIA 4; HETEROTOPIA, PERIVENTRICULAR, 1. Identifiers: Orphanet 2149, Orphanet 82004, MedGen C1848213, MONDO:0010233, OMIM 300049.
Melnick-Needles syndrome (MNS). Also called: MELNICK-NEEDLES OSTEODYSPLASTY; OSTEODYSPLASTY OF MELNICK AND NEEDLES; Melnick-Needles Syndrome (FLNA-MNS). Identifiers: Orphanet 2484, MedGen C0025237, MONDO:0010650, OMIM 309350.
Frontometaphyseal dysplasia (FMD1). Identifiers: Orphanet 1826, MedGen C0265293, MONDO:0015942.
Oto-palato-digital syndrome, type II (OPD2). Also called: OPD II SYNDROME; FACIOPALATOOSSEOUS SYNDROME; Otopalatodigital Syndrome Type 2 (FLNA-OPD2); Otopalatodigital Syndrome, Type II. Identifiers: Orphanet 669, Orphanet 90652, MedGen C1844696, MONDO:0010571, OMIM 304120.

gnomAD v4.1: 2 of 1,211,536 alleles (0.00017%); highest among the groups gnomAD compares: Non-Finnish European, 0.00011%; no homozygotes.

Submission:

Labcorp Genetics (formerly Invitae), Labcorp
Classification: Uncertain significance for Oto-palato-digital syndrome, type II; Heterotopia, periventricular, X-linked dominant; Frontometaphyseal dysplasia; Melnick-Needles syndrome. Last evaluated: 2022-09-19. Review status: criteria provided, single submitter. Criteria: Invitae Variant Classification Sherloc (09022015). Collection method: clinical testing. Allele origin: germline.
Comment: In summary, the available evidence is currently insufficient to determine the role of this variant in disease. Therefore, it has been classified as a Variant of Uncertain Significance. Advanced modeling of protein sequence and biophysical properties (such as structural, functional, and spatial information, amino acid conservation, physicochemical variation, residue mobility, and thermodynamic stability) performed at Invitae indicates that this missense variant is not expected to disrupt FLNA protein function. ClinVar contains an entry for this variant (Variation ID: 1053200). This variant has not been reported in the literature in individuals affected with FLNA-related conditions. This variant is not present in population databases (gnomAD no frequency). This sequence change replaces leucine, which is neutral and non-polar, with phenylalanine, which is neutral and non-polar, at codon 1619 of the FLNA protein (p.Leu1619Phe).

NM_001110556.2(FLNA):c.4855C>T (p.Leu1619Phe)

Gene: FLNA (filamin A; minus strand). Cytogenetic location: Xq28.
Variant type: single nucleotide variant.
Coding change: c.4855C>T on transcript NM_001110556.2 (MANE Select); coding-DNA position 4855, C replaced by T.
Protein change: p.Leu1619Phe; replaces leucine 1619 with phenylalanine.
Molecular consequence: missense variant.
Genome position (GRCh38, 1-based): chrX:154,357,524, G>A on the plus strand (C>T on the coding strand, the complement: FLNA is on the minus strand). VCF-style: chrX-154357524-G-A. GRCh37 (hg19) VCF-style: chrX-153585892-G-A.
Other names: c.4855C>T, p.Leu1619Phe (NM_001456.4); short protein forms L1619F.
Identifiers: ClinVar variation 1053200 (VCV001053200.7), dbSNP rs2148109695, ClinGen allele CA415213940.